The following is an entry in ClinVar:

NM_001370466.1(NOD2):c.62G>T (p.Gly21Val)

Gene: NOD2 (nucleotide binding oligomerization domain containing 2; plus strand). Cytogenetic location: 16q12.1.
Variant type: single nucleotide variant.
Coding change: c.62G>T on transcript NM_001370466.1 (MANE Select); coding-DNA position 62, G replaced by T.
Protein change: p.Gly21Val; replaces glycine 21 with valine.
Molecular consequence: missense variant. On other transcripts: non-coding transcript variant (1).
Genome position (GRCh38, 1-based): chr16:50,699,557, G>T. VCF-style: chr16-50699557-G-T. GRCh37 (hg19) VCF-style: chr16-50733468-G-T.
Other names: c.62G>T, p.Gly21Val (NM_001293557.2); c.143G>T, p.Gly48Val (NM_022162.3); short protein forms G48V, G21V.
Identifiers: ClinVar variation 4789792 (VCV004789792.1).

ClinVar aggregate classification (germline): Uncertain significance (1 of 4 stars; one submission).

Conditions:
Regional enteritis. Also called: Enteritis, Granulomatous. Identifiers: MedGen C0678202, MeSH D003424.
Blau syndrome (BLAUS). Also called: ARTHROCUTANEOUVEAL GRANULOMATOSIS; GRANULOMATOSIS, FAMILIAL JUVENILE SYSTEMIC; GRANULOMATOSIS, FAMILIAL, BLAU TYPE; GRANULOMATOUS INFLAMMATORY ARTHRITIS, DERMATITIS, AND UVEITIS, FAMILIAL; JABS SYNDROME. Identifiers: Orphanet 90340, MedGen C5201146, MONDO:0008523, OMIM 186580.

Submission:

Labcorp Genetics (formerly Invitae), Labcorp
Classification: Uncertain significance for Regional enteritis; Blau syndrome. Last evaluated: 2025-06-03. Review status: criteria provided, single submitter. Criteria: Invitae Variant Classification Sherloc (09022015). Collection method: clinical testing. Allele origin: germline.
Comment: This sequence change replaces glycine, which is neutral and non-polar, with valine, which is neutral and non-polar, at codon 48 of the NOD2 protein (p.Gly48Val). This variant is not present in population databases (gnomAD no frequency). This variant has not been reported in the literature in individuals affected with NOD2-related conditions. Invitae Evidence Modeling of protein sequence and biophysical properties (such as structural, functional, and spatial information, amino acid conservation, physicochemical variation, residue mobility, and thermodynamic stability) indicates that this missense variant is not expected to disrupt NOD2 protein function with a negative predictive value of 95%. In summary, the available evidence is currently insufficient to determine the role of this variant in disease. Therefore, it has been classified as a Variant of Uncertain Significance.